The following is an entry in ClinVar:

ClinVar aggregate classification (germline): Likely benign. Review status: criteria provided, single submitter (1 of 4 stars). 2 submissions from 2 submitters: Likely benign (1). 1 of the submissions does not count toward it. Last evaluated 2024-04-13.

Conditions:
Chédiak-Higashi syndrome (CHS). Also called: Chediak-Higashi Syndrome. Identifiers: Orphanet 167, MedGen C0007965, MONDO:0008963, OMIM 214500.
LYST-related disorder. Also called: LYST-related condition.

Allele frequency attached by ClinVar (database versions not stated): gnomAD exomes below 0.00001; TOPMed 0.00001.
gnomAD v4.1: 2 of 1,613,558 alleles (0.00012%); highest among the groups gnomAD compares: Admixed American, 0.0033%; no homozygotes.

Submissions (2):

Labcorp Genetics (formerly Invitae), Labcorp
Classification: Likely benign for Chédiak-Higashi syndrome. Last evaluated: 2024-04-13. Review status: criteria provided, single submitter. Criteria: Invitae Variant Classification Sherloc (09022015). Collection method: clinical testing. Allele origin: germline.

PreventionGenetics, part of Exact Sciences
Classification: Likely benign for LYST-related condition. Last evaluated: 2021-05-12. Review status: no assertion criteria provided. Collection method: clinical testing. Allele origin: germline. Not counted in ClinVar's aggregate classification.
Comment: This variant is classified as likely benign based on ACMG/AMP sequence variant interpretation guidelines (Richards et al. 2015 PMID: 25741868, with internal and published modifications).

NM_000081.4(LYST):c.7032A>G (p.Ser2344=)

Gene: LYST (lysosomal trafficking regulator; minus strand). Cytogenetic location: 1q42.3.
Variant type: single nucleotide variant.
Coding change: c.7032A>G on transcript NM_000081.4 (MANE Select); coding-DNA position 7032, A replaced by G.
Protein change: p.Ser2344=; no amino-acid change (serine 2344 retained).
Molecular consequence: synonymous variant.
Genome position (GRCh38, 1-based): chr1:235,757,308, T>C on the plus strand (A>G on the coding strand, the complement: LYST is on the minus strand). VCF-style: chr1-235757308-T-C. GRCh37 (hg19) VCF-style: chr1-235920608-T-C.
Other names: c.7032A>G, p.Ser2344= (NM_001301365.1); c.7032A>G (NM_000081.3).
Identifiers: ClinVar variation 1129142 (VCV001129142.9), dbSNP rs1369137701, ClinGen allele CA423775376.